The following is an entry in ClinVar:

NM_080425.4(GNAS):c.1737_1739del (p.Asp579del)

Gene: GNAS (GNAS complex locus; plus strand). Cytogenetic location: 20q13.32.
Variant type: Deletion.
Coding change: c.1737_1739del on transcript NM_080425.4 (MANE Plus Clinical); coding-DNA positions 1737 to 1739, 3 bases deleted (CGA; older notation c.1737_1739delCGA).
Protein change: p.Asp579del; deletes aspartic acid 579.
Molecular consequence: inframe deletion. On other transcripts: intron variant (3).
Genome position (GRCh38, 1-based): chr20:58,855,002-58,855,004, CGA deleted; deleting any 3 consecutive bases within chr20:58,855,000-58,855,004 gives the same sequence; the c. name uses the placement nearest the transcript's 3' end. VCF-style (leftmost placement, unchanged base first): chr20-58854999-AGAC-A. GRCh37 (hg19) VCF-style: chr20-57430054-AGAC-A.
Other names: c.1550_1552del, p.Thr517del (NM_001077490.3, NM_001309883.1); c.1737_1739del, p.Asp579del (NM_001410913.1); c.*42+14116_*42+14118del (NM_016592.5); c.43+14116_43+14118del (NM_001410912.1); c.-39+13127_-39+13129del (NM_001309861.2); short protein forms D579del, T517del.
Identifiers: ClinVar variation 3354838 (VCV003354838.1).

ClinVar aggregate classification (germline): Uncertain significance (0 of 4 stars; one submission).

Conditions:
GNAS-related disorder. Identifiers: MedGen CN380105.

Submission:

PreventionGenetics, part of Exact Sciences
Classification: Uncertain significance for GNAS-related condition. Last evaluated: 2024-05-15. Review status: no assertion criteria provided. Collection method: clinical testing. Allele origin: germline.
Comment: The GNAS c.1737_1739delCGA variant is predicted to result in an in-frame deletion (p.Asp579del). To our knowledge, this variant has not been reported in the literature. This variant is reported in 0.0068% of alleles in individuals of African descent in gnomAD. At this time, the clinical significance of this variant is uncertain due to the absence of conclusive functional and genetic evidence.